The following is an entry in ClinVar:

NM_031942.5(CDCA7):c.194T>G (p.Phe65Cys)

Gene: CDCA7 (cell division cycle associated 7; plus strand). Cytogenetic location: 2q31.1.
Variant type: single nucleotide variant.
Coding change: c.194T>G on transcript NM_031942.5 (MANE Select); coding-DNA position 194, T replaced by G.
Protein change: p.Phe65Cys; replaces phenylalanine 65 with cysteine.
Molecular consequence: missense variant. On other transcripts: intron variant (1).
Genome position (GRCh38, 1-based): chr2:173,359,301, T>G. VCF-style: chr2-173359301-T-G. GRCh37 (hg19) VCF-style: chr2-174224029-T-G.
Other names: c.147+464T>G (NM_145810.3); c.194T>G (NM_031942.4); short protein forms F65C.
Identifiers: ClinVar variation 1505000 (VCV001505000.7), dbSNP rs1686575464, ClinGen allele CA349321120.

ClinVar aggregate classification (germline): Uncertain significance. Review status: criteria provided, multiple submitters, no conflicts (2 of 4 stars). 2 submissions from 2 submitters: Uncertain significance (2). Last evaluated 2024-12-05.

Allele frequency attached by ClinVar (database versions not stated): gnomAD exomes 0.00001; TOPMed 0.00002.
gnomAD v4.1: 3 of 1,614,230 alleles (0.00019%); highest among the groups gnomAD compares: Non-Finnish European, 0.00025%; no homozygotes.

Submissions (2):

Ambry Genetics
Classification: Uncertain significance. Last evaluated: 2024-12-05. Review status: criteria provided, single submitter. Criteria: Ambry Variant Classification Scheme 2023. Collection method: clinical testing. Allele origin: germline.

Labcorp Genetics (formerly Invitae), Labcorp
Classification: Uncertain significance. Last evaluated: 2024-08-02. Review status: criteria provided, single submitter. Criteria: Invitae Variant Classification Sherloc (09022015). Collection method: clinical testing. Allele origin: germline.
Comment: This sequence change replaces phenylalanine, which is neutral and non-polar, with cysteine, which is neutral and slightly polar, at codon 65 of the CDCA7 protein (p.Phe65Cys). This variant is not present in population databases (gnomAD no frequency). This variant has not been reported in the literature in individuals affected with CDCA7-related conditions. ClinVar contains an entry for this variant (Variation ID: 1505000). An algorithm developed to predict the effect of missense changes on protein structure and function (PolyPhen-2) suggests that this variant is likely to be disruptive. In summary, the available evidence is currently insufficient to determine the role of this variant in disease. Therefore, it has been classified as a Variant of Uncertain Significance.